The following is an entry in ClinVar:

ClinVar aggregate classification (germline): Uncertain significance (1 of 4 stars; one submission).

Allele frequency attached by ClinVar (database versions not stated): gnomAD 0.00001.
gnomAD v4.1: 2 of 1,551,700 alleles (0.00013%); highest among the groups gnomAD compares: African/African-American, 0.0027%; no homozygotes.

Submission:

Labcorp Genetics (formerly Invitae), Labcorp
Classification: Uncertain significance. Last evaluated: 2022-04-09. Review status: criteria provided, single submitter. Criteria: Invitae Variant Classification Sherloc (09022015). Collection method: clinical testing. Allele origin: germline.
Comment: This sequence change replaces phenylalanine, which is neutral and non-polar, with leucine, which is neutral and non-polar, at codon 234 of the FOXI3 protein (p.Phe234Leu). This variant is not present in population databases (gnomAD no frequency). This variant has not been reported in the literature in individuals affected with FOXI3-related conditions. Experimental studies and prediction algorithms are not available or were not evaluated, and the functional significance of this variant is currently unknown. In summary, the available evidence is currently insufficient to determine the role of this variant in disease. Therefore, it has been classified as a Variant of Uncertain Significance.

NM_001135649.3(FOXI3):c.702C>G (p.Phe234Leu)

Gene: FOXI3 (forkhead box I3; minus strand). Cytogenetic location: 2p11.2.
Variant type: single nucleotide variant.
Coding change: c.702C>G on transcript NM_001135649.3 (MANE Select); coding-DNA position 702, C replaced by G.
Protein change: p.Phe234Leu; replaces phenylalanine 234 with leucine.
Molecular consequence: missense variant.
Genome position (GRCh38, 1-based): chr2:88,448,768, G>C on the plus strand (C>G on the coding strand, the complement: FOXI3 is on the minus strand). VCF-style: chr2-88448768-G-C. GRCh37 (hg19) VCF-style: chr2-88748287-G-C.
Other names: short protein forms F234L.
Identifiers: ClinVar variation 2123579 (VCV002123579.4), dbSNP rs955268781, ClinGen allele CA51943866.